The following is an entry in ClinVar:

NM_012281.3(KCND2):c.130G>A (p.Val44Met)

Gene: KCND2 (potassium voltage-gated channel subfamily D member 2; plus strand). Cytogenetic location: 7q31.31.
Variant type: single nucleotide variant.
Coding change: c.130G>A on transcript NM_012281.3 (MANE Select); coding-DNA position 130, G replaced by A.
Protein change: p.Val44Met; replaces valine 44 with methionine.
Molecular consequence: missense variant.
Genome position (GRCh38, 1-based): chr7:120,274,762, G>A. VCF-style: chr7-120274762-G-A. GRCh37 (hg19) VCF-style: chr7-119914816-G-A.
Other names: short protein forms V44M.
Identifiers: ClinVar variation 1025284 (VCV001025284.8), dbSNP rs1799147199, ClinGen allele CA369130894.

ClinVar aggregate classification (germline): Uncertain significance (1 of 4 stars; one submission).

Conditions:
Early Myoclonic Encephalopathy. Identifiers: MedGen C0270855.

Submission:

Labcorp Genetics (formerly Invitae), Labcorp
Classification: Uncertain significance for Early Myoclonic Encephalopathy. Last evaluated: 2022-08-09. Review status: criteria provided, single submitter. Criteria: Invitae Variant Classification Sherloc (09022015). Collection method: clinical testing. Allele origin: germline.
Comment: In summary, the available evidence is currently insufficient to determine the role of this variant in disease. Therefore, it has been classified as a Variant of Uncertain Significance. Advanced modeling of protein sequence and biophysical properties (such as structural, functional, and spatial information, amino acid conservation, physicochemical variation, residue mobility, and thermodynamic stability) performed at Invitae indicates that this missense variant is not expected to disrupt KCND2 protein function. ClinVar contains an entry for this variant (Variation ID: 1025284). This variant has not been reported in the literature in individuals affected with KCND2-related conditions. This variant is not present in population databases (gnomAD no frequency). This sequence change replaces valine, which is neutral and non-polar, with methionine, which is neutral and non-polar, at codon 44 of the KCND2 protein (p.Val44Met).